The following is an entry in ClinVar:

NM_001374353.1(GLI2):c.2211G>T (p.Arg737=)

Gene: GLI2 (GLI family zinc finger 2; plus strand). Cytogenetic location: 2q14.2.
Variant type: single nucleotide variant.
Coding change: c.2211G>T on transcript NM_001374353.1 (MANE Select); coding-DNA position 2211, G replaced by T.
Protein change: p.Arg737=; no amino-acid change (arginine 737 retained).
Molecular consequence: synonymous variant.
Genome position (GRCh38, 1-based): chr2:120,986,583, G>T. VCF-style: chr2-120986583-G-T. GRCh37 (hg19) VCF-style: chr2-121744159-G-T.
Other names: c.2262G>T, p.Arg754= (NM_001371271.1, NM_005270.5); c.1836G>T, p.Arg612= (NM_001374354.1).
Identifiers: ClinVar variation 259724 (VCV000259724.16), dbSNP rs142856393, ClinGen allele CA1852170.

ClinVar aggregate classification (germline): Benign/Likely benign. Review status: criteria provided, multiple submitters, no conflicts (2 of 4 stars). 3 submissions from 3 submitters: Benign (1); Likely benign (1). 1 of the submissions does not count toward it. Last evaluated 2025-12-28.

Conditions:
Postaxial polydactyly-anterior pituitary anomalies-facial dysmorphism syndrome. Also called: Culler-Jones syndrome. Identifiers: Orphanet 420584, MedGen C4014479, MONDO:0014369, OMIM 615849.
Holoprosencephaly 9 (HPE9). Also called: HOLOPROSENCEPHALY WITH MICROPHTHALMIA AND FIRST BRANCHIAL ARCH ANOMALIES; PITUITARY ANOMALIES WITH HOLOPROSENCEPHALY-LIKE FEATURES. Identifiers: Orphanet 2162, MedGen C1835819, MONDO:0012563, OMIM 610829.
GLI2-related disorder. Also called: GLI2-related condition; GLI2-related disorders.

Allele frequency attached by ClinVar (database versions not stated): ESP Exome Variant Server 0.00277; gnomAD 0.00291 and 0.00317; TOPMed 0.00349; 1000 Genomes Project 0.00359; 1000 Genomes Project 30x 0.00359.
gnomAD v4.1: 889 of 1,614,116 alleles (0.055%); highest among the groups gnomAD compares: African/African-American, 1%; 3 homozygotes.

Submissions (3):

Labcorp Genetics (formerly Invitae), Labcorp
Classification: Benign for Postaxial polydactyly-anterior pituitary anomalies-facial dysmorphism syndrome; Holoprosencephaly 9. Last evaluated: 2025-12-28. Review status: criteria provided, single submitter. Criteria: Invitae Variant Classification Sherloc (09022015). Collection method: clinical testing. Allele origin: germline.

Blueprint Genetics
Classification: Likely benign. Last evaluated: 2024-11-13. Review status: criteria provided, single submitter. Criteria: ACMG Guidelines, 2015. Collection method: clinical testing. Allele origin: germline.

PreventionGenetics, part of Exact Sciences
Classification: Benign for GLI2-related condition. Last evaluated: 2019-07-02. Review status: no assertion criteria provided. Collection method: clinical testing. Allele origin: germline. Not counted in ClinVar's aggregate classification.
Comment: This variant is classified as benign based on ACMG/AMP sequence variant interpretation guidelines (Richards et al. 2015 PMID: 25741868, with internal and published modifications).